The following is an entry in ClinVar:

ClinVar aggregate classification (germline): Uncertain significance (1 of 4 stars; one submission).

Conditions:
Spondyloepimetaphyseal dysplasia-short limb-abnormal calcification syndrome (SMED-SL). Also called: SMED, TYPE II; SMED-SL/AC; Spondylometaepiphyseal dysplasia, short limb-hand type; SMED short limb-hand type; SMED type 2; Spondylometaepiphyseal dysplasia short limb-abnormal calcification type. Identifiers: Orphanet 93358, MedGen C1849011, MONDO:0010077, OMIM 271665.
Warburg-cinotti syndrome. Identifiers: MedGen C5193019, MONDO:0032579, OMIM 618175.

Submission:

Juno Genomics, Hangzhou Juno Genomics, Inc
Classification: Uncertain significance for Spondyloepimetaphyseal dysplasia-short limb-abnormal calcification syndrome; Warburg-cinotti syndrome. Review status: criteria provided, single submitter. Criteria: ACMG Guidelines, 2015. Collection method: clinical testing. Allele origin: germline.
Comment: Absent from controls (or at extremely low frequency if recessive) in Genome Aggregation Database.;Multiple lines of computational evidence support a deleterious effect on the gene or gene product.;Missense variant in a gene that has a low rate of benign missense variation.

NM_006182.4(DDR2):c.430A>C (p.Asn144His)

Gene: DDR2 (discoidin domain receptor tyrosine kinase 2; plus strand). Cytogenetic location: 1q23.3.
Variant type: single nucleotide variant.
Coding change: c.430A>C on transcript NM_006182.4 (MANE Select); coding-DNA position 430, A replaced by C.
Protein change: p.Asn144His; replaces asparagine 144 with histidine.
Molecular consequence: missense variant.
Genome position (GRCh38, 1-based): chr1:162,755,168, A>C. VCF-style: chr1-162755168-A-C. GRCh37 (hg19) VCF-style: chr1-162724958-A-C.
Other names: c.430A>C, p.Asn144His (NM_001014796.3, NM_001354982.2, NM_001354983.2); short protein forms N144H.
Identifiers: ClinVar variation 5019863 (VCV005019863.2).